The following is an entry in ClinVar:

NM_001127222.2(CACNA1A):c.6974_6976dup (p.Gln2325_Ala2326insGlu)

Gene: CACNA1A (calcium voltage-gated channel subunit alpha1 A; minus strand). Cytogenetic location: 19p13.13.
Variant type: Duplication.
Coding change: c.6974_6976dup on transcript NM_001127222.2 (MANE Select); coding-DNA positions 6974 to 6976, 3 bases duplicated (AGG; older notation c.6974_6976dupAGG).
Protein change: p.Gln2325_Ala2326insGlu.
Molecular consequence: inframe insertion. On other transcripts: 3 prime UTR variant (3).
Genome position (GRCh38, 1-based): chr19:13,207,858-13,207,860, CCT duplicated on the plus strand (AGG on the coding strand, the reverse complement: CACNA1A is on the minus strand). VCF-style (leftmost placement, unchanged base first): chr19-13207857-G-GCCT. GRCh37 (hg19) VCF-style: chr19-13318671-G-GCCT.
Other names: c.*186_*188dup (NM_000068.4, NM_001127221.2, NM_001174080.2); c.6992_6994dup, p.Gln2331_Ala2332insGlu (NM_023035.3); c.6974_6976dupAGG (NM_001127222.1); c.*186_*188dupAGG (NM_001127221.1).
Identifiers: ClinVar variation 1694894 (VCV001694894.35), dbSNP rs772835259, ClinGen allele CA9239225.

ClinVar aggregate classification (germline): Benign/Likely benign. Review status: criteria provided, multiple submitters, no conflicts (2 of 4 stars). 5 submissions from 5 submitters: Benign (1); Likely benign (3). 1 of the submissions does not count toward it. Last evaluated 2026-05-01.

Conditions:
CACNA1A-related disorder. Also called: CACNA1A-related condition.
Inborn genetic diseases. Identifiers: MedGen C0950123, MeSH D030342.

Allele frequency attached by ClinVar (database versions not stated): 1000 Genomes Project 30x 0.00031; ExAC 0.00042; gnomAD exomes 0.00050 and 0.00057; gnomAD 0.00060 and 0.00062.

Submissions (5):

CeGaT Center for Human Genetics Tuebingen
Classification: Benign. Last evaluated: 2026-05-01. Review status: criteria provided, single submitter. Criteria: CeGaT Center For Human Genetics Tuebingen Variant Classification Criteria Version 2. Collection method: clinical testing. Allele origin: germline. Affected: yes. Observed: 16 variant alleles.
Comment: CACNA1A: PM4:Supporting, BS1, BS2

Laboratory of Genetics, Children's Clinical University Hospital Latvia
Classification: Likely benign. Last evaluated: 2025-02-16. Review status: criteria provided, single submitter. Criteria: ACMG Guidelines, 2015. Collection method: clinical testing. Allele origin: germline. Affected: yes.

Blueprint Genetics
Classification: Likely benign. Last evaluated: 2024-10-03. Review status: criteria provided, single submitter. Criteria: ACMG Guidelines, 2015. Collection method: clinical testing. Allele origin: germline.

Ambry Genetics
Classification: Likely benign for Inborn genetic diseases. Last evaluated: 2023-01-24. Review status: criteria provided, single submitter. Criteria: Ambry Variant Classification Scheme 2023. Collection method: clinical testing. Allele origin: germline.

PreventionGenetics, part of Exact Sciences
Classification: Likely benign for CACNA1A-related condition. Last evaluated: 2022-02-24. Review status: no assertion criteria provided. Collection method: clinical testing. Allele origin: germline. Not counted in ClinVar's aggregate classification.
Comment: This variant is classified as likely benign based on ACMG/AMP sequence variant interpretation guidelines (Richards et al. 2015 PMID: 25741868, with internal and published modifications).